The following is an entry in ClinVar:

ClinVar aggregate classification (germline): Uncertain significance (1 of 4 stars; one submission).

Conditions:
Neuronopathy, distal hereditary motor, type 5A (HMND5). Also called: Distal Spinal Muscular Atrophy V; DHMN VA; NEURONOPATHY, DISTAL HEREDITARY MOTOR, AUTOSOMAL DOMINANT 5; Distal Spinal Muscular Atrophy V (dSMA-V). Identifiers: Orphanet 139536, MedGen CN031873, MONDO:0015353, OMIM 600794.

Allele frequency attached by ClinVar (database versions not stated): gnomAD exomes below 0.00001.
gnomAD v4.1: 1 of 1,614,096 alleles (0.000062%); highest among the groups gnomAD compares: Non-Finnish European, 0.000085%; no homozygotes.

Submission:

MGZ Medical Genetics Center
Classification: Uncertain significance for Neuronopathy, distal hereditary motor, type 5A. Last evaluated: 2022-08-26. Review status: criteria provided, single submitter. Criteria: ACMG Guidelines, 2015. Collection method: clinical testing. Allele origin: germline. Affected: yes. Observed: 1 variant allele.
Comment: ACMG criteria applied: PM2_SUP, PP3

NM_002047.4(GARS1):c.977T>C (p.Ile326Thr)

Gene: GARS1 (glycyl-tRNA synthetase 1; plus strand). Cytogenetic location: 7p14.3.
Variant type: single nucleotide variant.
Coding change: c.977T>C on transcript NM_002047.4 (MANE Select); coding-DNA position 977, T replaced by C.
Protein change: p.Ile326Thr; replaces isoleucine 326 with threonine.
Molecular consequence: missense variant.
Genome position (GRCh38, 1-based): chr7:30,612,191, T>C. VCF-style: chr7-30612191-T-C. GRCh37 (hg19) VCF-style: chr7-30651807-T-C.
Other names: c.815T>C, p.Ile272Thr (NM_001316772.1); short protein forms I272T, I326T.
Identifiers: ClinVar variation 1709762 (VCV001709762.2), dbSNP rs2534305997, ClinGen allele CA367125154.